The following is an entry in ClinVar:

ClinVar aggregate classification (germline): Likely benign. Review status: criteria provided, single submitter (1 of 4 stars). 2 submissions from 1 submitter: Likely benign (2). Last evaluated 2018-01-13.

Conditions:
Adult-onset proximal spinal muscular atrophy, autosomal dominant. Also called: FINKEL LATE-ADULT TYPE SMA; Spinal muscular atrophy, late-onset, finkel type. Identifiers: Orphanet 209335, MedGen C1854058, MONDO:0008453, OMIM 182980.
Amyotrophic lateral sclerosis type 8 (ALS8). Identifiers: Orphanet 803, MedGen C1837728, MONDO:0012077, OMIM 608627.

Allele frequency attached by ClinVar (database versions not stated): ExAC 0.00074; gnomAD exomes 0.00079 and 0.00109; gnomAD 0.00084 and 0.00086; TOPMed 0.00084.
gnomAD v4.1: 452 of 454,492 alleles (0.099%); highest among the groups gnomAD compares: Non-Finnish European, 0.15%; no homozygotes.

Submissions (2):

Illumina Laboratory Services, Illumina
Classification: Likely benign for Amyotrophic lateral sclerosis type 8. Last evaluated: 2018-01-13. Review status: criteria provided, single submitter. Criteria: ICSL Variant Classification Criteria 13 December 2019. Collection method: clinical testing. Allele origin: germline.
Comment: This variant was observed in the ICSL laboratory as part of a predisposition screen in an ostensibly healthy population. It had not been previously curated by ICSL or reported in the Human Gene Mutation Database (HGMD: prior to June 1st, 2018), and was therefore a candidate for classification through an automated scoring system. Utilizing variant allele frequency, disease prevalence and penetrance estimates, and inheritance mode, an automated score was calculated to assess if this variant is too frequent to cause the disease. Based on the score and internal cut-off values, a variant classified as likely benign is not then subjected to further curation. The score for this variant resulted in a classification of likely benign for this disease.

Illumina Laboratory Services, Illumina
Classification: Likely benign for Adult-onset proximal spinal muscular atrophy, autosomal dominant. Last evaluated: 2018-01-13. Review status: criteria provided, single submitter. Criteria: ICSL Variant Classification Criteria 13 December 2019. Collection method: clinical testing. Allele origin: germline.
Comment: the same text as in the submission from Illumina Laboratory Services, Illumina above.

NM_004738.5(VAPB):c.*726A>G

Gene: VAPB (VAMP associated protein B and C; plus strand). Cytogenetic location: 20q13.32.
Variant type: single nucleotide variant.
Coding change: c.*726A>G on transcript NM_004738.5 (MANE Select); 726 bases downstream of the stop codon, A replaced by G.
Molecular consequence: 3 prime UTR variant. On other transcripts: non-coding transcript variant (1).
Genome position (GRCh38, 1-based): chr20:58,444,961, A>G. VCF-style: chr20-58444961-A-G. GRCh37 (hg19) VCF-style: chr20-57020017-A-G.
Other names: c.*796A>G (NM_001195677.2).
Identifiers: ClinVar variation 338940 (VCV000338940.6), dbSNP rs560832981, ClinGen allele CA9924401.